The following is an entry in ClinVar:

ClinVar aggregate classification (germline): Uncertain significance (1 of 4 stars; one submission).

Conditions:
Hereditary cancer-predisposing syndrome. Also called: Neoplastic Syndromes, Hereditary; Tumor predisposition; Hereditary neoplastic syndrome; Hereditary Cancer Syndrome. Identifiers: Orphanet 140162, MedGen C0027672, MeSH D009386, MONDO:0015356.

gnomAD v4.1: 1 of 1,613,948 alleles (0.000062%); highest among the groups gnomAD compares: African/African-American, 0.0013%; no homozygotes.

Submission:

Ambry Genetics
Classification: Uncertain significance for Hereditary cancer-predisposing syndrome. Last evaluated: 2026-07-25. Review status: criteria provided, single submitter. Criteria: Ambry Variant Classification Scheme 2023. Collection method: clinical testing. Allele origin: germline.
Comment: The p.S30P variant (also known as c.88T>C), located in coding exon 1 of the TSC2 gene, results from a T to C substitution at nucleotide position 88. The serine at codon 30 is replaced by proline, an amino acid with similar properties. This amino acid position is conserved. In addition, this alteration is predicted to be tolerated by in silico analysis. Based on the available evidence, the clinical significance of this variant remains unclear.

NM_000548.5(TSC2):c.88T>C (p.Ser30Pro)

Gene: TSC2 (TSC complex subunit 2; plus strand). Cytogenetic location: 16p13.3.
Variant type: single nucleotide variant.
Coding change: c.88T>C on transcript NM_000548.5 (MANE Select); coding-DNA position 88, T replaced by C.
Protein change: p.Ser30Pro; replaces serine 30 with proline.
Molecular consequence: missense variant. On other transcripts: 5 prime UTR variant (19), non-coding transcript variant (5), intron variant (6).
Genome position (GRCh38, 1-based): chr16:2,048,703, T>C. VCF-style: chr16-2048703-T-C. GRCh37 (hg19) VCF-style: chr16-2098704-T-C.
Other names: c.88T>C, p.Ser30Pro (NM_001077183.3, NM_001114382.3, NM_001318827.2 and 13 more transcripts); c.-139T>C (NM_001318831.2, NM_001406682.1, NM_001406684.1 and 2 more transcripts); c.121T>C, p.Ser41Pro (NM_001318832.2); c.-729T>C (NM_001406680.1, NM_001406683.1, NM_001406687.1); c.-358T>C (NM_001406681.1); c.-1344T>C (NM_001406689.1, NM_001406690.1, NM_001406691.1 and 2 more transcripts); c.-1650T>C (NM_001406693.1); c.-1225T>C (NM_001406694.1, NM_001406695.1); and 4 more; short protein forms S30P, S41P.
Identifiers: ClinVar variation 5031370 (VCV005031370.1).